The following is an entry in ClinVar:

NM_000143.4(FH):c.193G>A (p.Asp65Asn)

Gene: FH (fumarate hydratase; minus strand). Cytogenetic location: 1q43.
Variant type: single nucleotide variant.
Coding change: c.193G>A on transcript NM_000143.4 (MANE Select); coding-DNA position 193, G replaced by A.
Protein change: p.Asp65Asn; replaces aspartic acid 65 with asparagine.
Molecular consequence: missense variant.
Genome position (GRCh38, 1-based): chr1:241,517,256, C>T on the plus strand (G>A on the coding strand, the complement: FH is on the minus strand). VCF-style: chr1-241517256-C-T. GRCh37 (hg19) VCF-style: chr1-241680556-C-T.
Other names: short protein forms D65N.
Identifiers: ClinVar variation 460347 (VCV000460347.16), dbSNP rs769956664, ClinGen allele CA1478750.

ClinVar aggregate classification (germline): Conflicting classifications of pathogenicity. Review status: criteria provided, conflicting classifications (1 of 4 stars). 7 submissions from 7 submitters: Uncertain significance (3); Likely benign (3). 1 of the submissions does not count toward it. Last evaluated 2026-01-07.

Conditions:
Hereditary cancer-predisposing syndrome. Also called: Tumor predisposition; Hereditary neoplastic syndrome; Neoplastic Syndromes, Hereditary; Hereditary Cancer Syndrome. Identifiers: Orphanet 140162, MedGen C0027672, MeSH D009386, MONDO:0015356.
Hereditary leiomyomatosis and renal cell cancer. Also called: Familial leiomyomatosis; MULTIPLE CUTANEOUS AND UTERINE LEIOMYOMATA 1, WITH OR WITHOUT RENAL CELL CARCINOMA; Multiple cutaneous leiomyomas; Reed syndrome; Multiple cutaneous and uterine leiomyomatosis; Cutaneous leiomyomata with uterine leiomyomata. Identifiers: Orphanet 523, MedGen C1708350, MONDO:0007888, OMIM 150800, HP:0007437. Disease mechanism: loss of function.
Fumarase deficiency (FMRD). Also called: Fumarate Hydratase Deficiency; Fumaric aciduria. Identifiers: Orphanet 24, MedGen C0342770, MONDO:0011730, OMIM 606812.

Allele frequency attached by ClinVar (database versions not stated): gnomAD 0.00001 and 0.00002; ExAC 0.00003; TOPMed 0.00005.
gnomAD v4.1: 28 of 1,613,980 alleles (0.0017%); highest among the groups gnomAD compares: East Asian, 0.06%; no homozygotes.

Submissions (8):

Labcorp Genetics (formerly Invitae), Labcorp
Classification: Likely benign. Last evaluated: 2026-01-07. Review status: criteria provided, single submitter. Criteria: Invitae Variant Classification Sherloc (09022015). Collection method: clinical testing. Allele origin: germline.

GeneDx
Classification: Uncertain significance. Last evaluated: 2025-04-02. Review status: criteria provided, single submitter. Criteria: GeneDx Variant Classification Process June 2021. Collection method: clinical testing. Allele origin: germline. Affected: yes.
Comment: In silico analysis supports that this missense variant has a deleterious effect on protein structure/function; This variant is associated with the following publications: (PMID: 33362715, 38721148, 32091409)

Quest Diagnostics Nichols Institute San Juan Capistrano
Classification: Uncertain significance. Last evaluated: 2024-10-23. Review status: criteria provided, single submitter. Criteria: Quest Diagnostics criteria. Collection method: clinical testing. Allele origin: unknown.
Comment: The FH c.193G>A (p.Asp65Asn) variant has been reported in the published literature in an individual with pheochromocytoma and retroperitoneal paraganglioma (PMID: 33362715 (2020)). The frequency of this variant in the general population, 0.00049 (9/18394 chromosomes in East Asian subpopulation (Genome Aggregation Database)), is higher than would generally be expected for pathogenic variants in this gene. Analysis of this variant using bioinformatics tools for the prediction of the effect of amino acid changes on protein structure and function yielded conflicting predictions that this variant is deleterious or benign. Based on the available information, we are unable to determine the clinical significance of this variant.

Myriad Genetics, Inc.
Classification: Likely benign for Hereditary leiomyomatosis and renal cell cancer. Last evaluated: 2024-08-12. Review status: criteria provided, single submitter. Criteria: Myriad Autosomal Dominant, Autosomal Recessive and X-Linked Classification Criteria (2023). Collection method: clinical testing. Allele origin: unknown.
Comment: This variant is considered likely benign. This variant has been observed at a population frequency that is significantly greater than expected given the associated disease prevalence and penetrance.

Fulgent Genetics
Classification: Uncertain significance for Hereditary leiomyomatosis and renal cell cancer; Fumarase deficiency. Last evaluated: 2024-05-13. Review status: criteria provided, single submitter. Criteria: ACMG Guidelines, 2015. Collection method: clinical testing. Allele origin: germline.

Ambry Genetics
Classification: Likely benign for Hereditary cancer-predisposing syndrome. Last evaluated: 2022-05-09. Review status: criteria provided, single submitter. Criteria: Ambry Variant Classification Scheme 2023. Collection method: clinical testing. Allele origin: germline.

Natera, Inc.
Classification: Uncertain significance for Fumarase Deficiency. Last evaluated: 2020-12-31. Review status: no assertion criteria provided. Collection method: clinical testing. Allele origin: germline. Not counted in ClinVar's aggregate classification.

Blake Wilde Laboratory, Roswell Park Comprehensive Cancer Center
No classification provided (evidence only). Condition: Hereditary leiomyomatosis and renal cell cancer. Review status: no classification provided. Collection method: in vitro. Allele origin: not applicable. Functional consequence: functionally normal. Not counted in ClinVar's aggregate classification.

Literature cited by the submitters: PubMed 33362715 (cited by Quest Diagnostics Nichols Institute San Juan Capistrano); PubMed 38721148 (cited by Quest Diagnostics Nichols Institute San Juan Capistrano); PubMed 32091409 (cited by Quest Diagnostics Nichols Institute San Juan Capistrano).